The following is an entry in ClinVar:

NM_006517.5(SLC16A2):c.653_660del (p.Val218fs)

Gene: SLC16A2 (solute carrier family 16 member 2; plus strand). Cytogenetic location: Xq13.2.
Variant type: Deletion.
Coding change: c.653_660del on transcript NM_006517.5 (MANE Select); coding-DNA positions 653 to 660, 8 bases deleted (TCATCCTG; older notation c.653_660delTCATCCTG).
Protein change: p.Val218fs; shifts the reading frame from valine 218.
Molecular consequence: frameshift variant.
Genome position (GRCh38, 1-based): chrX:74,524,436-74,524,443, TCATCCTG deleted; deleting any 8 consecutive bases within chrX:74,524,435-74,524,443 gives the same sequence; the c. name uses the placement nearest the transcript's 3' end. VCF-style (leftmost placement, unchanged base first): chrX-74524434-CGTCATCCT-C. GRCh37 (hg19) VCF-style: chrX-73744269-CGTCATCCT-C.
Other names: c.653_660delTCATCCTG (NM_006517.5); short protein forms V218fs.
Identifiers: ClinVar variation 3598427 (VCV003598427.2).

ClinVar aggregate classification (germline): Pathogenic/Likely pathogenic. Review status: criteria provided, multiple submitters, no conflicts (2 of 4 stars). 2 submissions from 2 submitters: Pathogenic (1); Likely pathogenic (1). Last evaluated 2025-02-26.

Conditions:
Allan-Herndon-Dudley syndrome (AHDS). Also called: T3 RESISTANCE; TRIIODOTHYRONINE RESISTANCE; Passos-Bueno syndrome; ALLAN-HERNDON SYNDROME; MENTAL RETARDATION AND MUSCULAR ATROPHY. Identifiers: Orphanet 59, MedGen C0795889, MONDO:0010354, OMIM 300523.

Submissions (2):

Women's Health and Genetics/Laboratory Corporation of America, LabCorp
Classification: Pathogenic for Allan-Herndon-Dudley syndrome. Last evaluated: 2025-02-26. Review status: criteria provided, single submitter. Criteria: LabCorp Variant Classification Summary - May 2015. Collection method: clinical testing. Allele origin: germline.
Comment: Variant summary: SLC16A2 c.653_660delTCATCCTG (p.Val218GlyfsX20) results in a premature termination codon, predicted to cause a truncation of the encoded protein or absence of the protein due to nonsense mediated decay, which are commonly known mechanisms for disease. The variant was absent in 183059 control chromosomes (gnomAD). To our knowledge, no occurrence of c.653_660delTCATCCTG in individuals affected with Allan-Herndon-Dudley Syndrome and no experimental evidence demonstrating its impact on protein function have been reported. ClinVar contains an entry for this variant (Variation ID: 3598427). Based on the evidence outlined above, the variant was classified as pathogenic.

Fulgent Genetics
Classification: Likely pathogenic for Allan-Herndon-Dudley syndrome. Last evaluated: 2024-06-18. Review status: criteria provided, single submitter. Criteria: ACMG Guidelines, 2015. Collection method: clinical testing. Allele origin: germline.